The following is an entry in ClinVar:

ClinVar aggregate classification (germline): Uncertain significance (1 of 4 stars; one submission).

Conditions:
Werner syndrome (WRN). Identifiers: Orphanet 902, MedGen C0043119, MONDO:0010196, OMIM 277700.

Allele frequency attached by ClinVar (database versions not stated): gnomAD exomes below 0.00001; TOPMed below 0.00001.
gnomAD v4.1: 2 of 1,613,840 alleles (0.00012%); highest among the groups gnomAD compares: Non-Finnish European, 0.00017%; no homozygotes.

Submission:

Labcorp Genetics (formerly Invitae), Labcorp
Classification: Uncertain significance for Werner syndrome. Last evaluated: 2022-10-14. Review status: criteria provided, single submitter. Criteria: Invitae Variant Classification Sherloc (09022015). Collection method: clinical testing. Allele origin: germline.
Comment: This variant is not present in population databases (gnomAD no frequency). In summary, the available evidence is currently insufficient to determine the role of this variant in disease. Therefore, it has been classified as a Variant of Uncertain Significance. Algorithms developed to predict the effect of missense changes on protein structure and function output the following: SIFT: "Not Available"; PolyPhen-2: "Benign"; Align-GVGD: "Not Available". The valine amino acid residue is found in multiple mammalian species, which suggests that this missense change does not adversely affect protein function. This variant has not been reported in the literature in individuals affected with WRN-related conditions. This sequence change replaces methionine, which is neutral and non-polar, with valine, which is neutral and non-polar, at codon 497 of the WRN protein (p.Met497Val).

NM_000553.6(WRN):c.1489A>G (p.Met497Val)

Gene: WRN (WRN RecQ like helicase; plus strand). Cytogenetic location: 8p12.
Variant type: single nucleotide variant.
Coding change: c.1489A>G on transcript NM_000553.6 (MANE Select); coding-DNA position 1489, A replaced by G.
Protein change: p.Met497Val; replaces methionine 497 with valine.
Molecular consequence: missense variant.
Genome position (GRCh38, 1-based): chr8:31,087,833, A>G. VCF-style: chr8-31087833-A-G. GRCh37 (hg19) VCF-style: chr8-30945349-A-G.
Other names: short protein forms M497V.
Identifiers: ClinVar variation 2732523 (VCV002732523.2), dbSNP rs1813592748, ClinGen allele CA370924409.